The following is an entry in ClinVar:

NM_018993.4(RIN2):c.2602A>G (p.Ile868Val)

Gene: RIN2 (Ras and Rab interactor 2; plus strand). Cytogenetic location: 20p11.23.
Variant type: single nucleotide variant.
Coding change: c.2602A>G on transcript NM_018993.4 (MANE Select); coding-DNA position 2602, A replaced by G.
Protein change: p.Ile868Val; replaces isoleucine 868 with valine.
Molecular consequence: missense variant.
Genome position (GRCh38, 1-based): chr20:20,000,850, A>G. VCF-style: chr20-20000850-A-G. GRCh37 (hg19) VCF-style: chr20-19981494-A-G.
Other names: c.2749A>G, p.Ile917Val (NM_001242581.2); c.1984A>G, p.Ile662Val (NM_001378238.1); short protein forms I868V, I662V, I917V.
Identifiers: ClinVar variation 1912999 (VCV001912999.4), dbSNP rs765581642, ClinGen allele CA9780334.
Genomic context (GRCh38, chr20:20,000,850, plus strand): 5'-GCAGAGGACACTTACCCTCAAAAAATCAAGGCGGAGCTGCACAGCCGACCACAGCCCCAC[A>G]TCTTCCACTTTGTCTACAAACGCATCAAGAACGATCCTTATGGCATCATTTTCCAGAACG-3'
Protein context (NP_061866.1, residues 858-878): AELHSRPQPH[Ile868Val]FHFVYKRIKN

ClinVar aggregate classification (germline): Uncertain significance (1 of 4 stars; one submission).

Allele frequency attached by ClinVar (database versions not stated): TOPMed below 0.00001; gnomAD 0.00001; gnomAD exomes 0.00002; ExAC 0.00004.
gnomAD v4.1: 27 of 1,613,842 alleles (0.0017%); highest among the groups gnomAD compares: South Asian, 0.02%; no homozygotes.

Submission:

Labcorp Genetics (formerly Invitae), Labcorp
Classification: Uncertain significance. Last evaluated: 2022-02-20. Review status: criteria provided, single submitter. Criteria: Invitae Variant Classification Sherloc (09022015). Collection method: clinical testing. Allele origin: germline.
Comment: In summary, the available evidence is currently insufficient to determine the role of this variant in disease. Therefore, it has been classified as a Variant of Uncertain Significance. Algorithms developed to predict the effect of missense changes on protein structure and function output the following: SIFT: "Tolerated"; PolyPhen-2: "Not Available"; Align-GVGD: "Class C0". The valine amino acid residue is found in multiple mammalian species, which suggests that this missense change does not adversely affect protein function. This variant has not been reported in the literature in individuals affected with RIN2-related conditions. This variant is present in population databases (rs765581642, gnomAD 0.04%). This sequence change replaces isoleucine, which is neutral and non-polar, with valine, which is neutral and non-polar, at codon 868 of the RIN2 protein (p.Ile868Val).